The following is an entry in ClinVar:

NM_020461.4(TUBGCP6):c.1955G>A (p.Arg652His)

Gene: TUBGCP6 (tubulin gamma complex component 6; minus strand). Cytogenetic location: 22q13.33.
Variant type: single nucleotide variant.
Coding change: c.1955G>A on transcript NM_020461.4 (MANE Select); coding-DNA position 1955, G replaced by A.
Protein change: p.Arg652His; replaces arginine 652 with histidine.
Molecular consequence: missense variant.
Genome position (GRCh38, 1-based): chr22:50,225,822, C>T on the plus strand (G>A on the coding strand, the complement: TUBGCP6 is on the minus strand). VCF-style: chr22-50225822-C-T. GRCh37 (hg19) VCF-style: chr22-50664251-C-T.
Other names: c.1955G>A (NM_020461.3); short protein forms R652H.
Identifiers: ClinVar variation 1360653 (VCV001360653.6), dbSNP rs775309774, ClinGen allele CA412104873.
Genomic context (GRCh38, chr22:50,225,822, plus strand): 5'-AGAAAGCCCCCGAGACCTGTGGTGCCACGCACCTTCTCCTCCTTGCTGACAGAGCTGTGG[C>T]GGGCCACCCTCTCCATGCGCCCAACGTAGACGGCACAGTCCTTCTCAATCTCCTTCAACT-3'
Protein context (NP_065194.3, residues 642-662): VYVGRMERVA[Arg652His]HSSVSKEEKE

ClinVar aggregate classification (germline): Uncertain significance. Review status: criteria provided, multiple submitters, no conflicts (2 of 4 stars). 2 submissions from 2 submitters: Uncertain significance (2). Last evaluated 2025-05-14.

Conditions:
Inborn genetic diseases. Identifiers: MedGen C0950123, MeSH D030342.

Allele frequency attached by ClinVar (database versions not stated): gnomAD exomes 0.00001; gnomAD 0.00001; TOPMed 0.00001.

Submissions (2):

Ambry Genetics
Classification: Uncertain significance for Inborn genetic diseases. Last evaluated: 2025-05-14. Review status: criteria provided, single submitter. Criteria: Ambry Variant Classification Scheme 2023. Collection method: clinical testing. Allele origin: germline.

Labcorp Genetics (formerly Invitae), Labcorp
Classification: Uncertain significance. Last evaluated: 2021-08-31. Review status: criteria provided, single submitter. Criteria: Invitae Variant Classification Sherloc (09022015). Collection method: clinical testing. Allele origin: germline.
Comment: This sequence change replaces arginine with histidine at codon 652 of the TUBGCP6 protein (p.Arg652His). The arginine residue is moderately conserved and there is a small physicochemical difference between arginine and histidine. This variant is not present in population databases (ExAC no frequency). This variant has not been reported in the literature in individuals affected with TUBGCP6-related conditions. Algorithms developed to predict the effect of missense changes on protein structure and function output the following: SIFT: "Tolerated"; PolyPhen-2: "Probably Damaging"; Align-GVGD: "Class C0". The histidine amino acid residue is found in multiple mammalian species, which suggests that this missense change does not adversely affect protein function. In summary, the available evidence is currently insufficient to determine the role of this variant in disease. Therefore, it has been classified as a Variant of Uncertain Significance.